The following is an entry in ClinVar:

ClinVar aggregate classification (germline): Benign/Likely benign. Review status: criteria provided, multiple submitters, no conflicts (2 of 4 stars). 5 submissions from 5 submitters: Benign (2); Likely benign (3). Last evaluated 2026-01-06.

Conditions:
Glaucoma 1, open angle, F (GLC1F). Identifiers: MedGen C1863926, OMIM 603383, MONDO:0011311.

Allele frequency attached by ClinVar (database versions not stated): 1000 Genomes Project 0.00339; 1000 Genomes Project 30x 0.00344; TOPMed 0.00496; ESP Exome Variant Server 0.00507.
gnomAD v4.1: 11,294 of 1,613,200 alleles (0.7%); highest among the groups gnomAD compares: Non-Finnish European, 0.83%; 56 homozygotes.

Submissions (5):

Labcorp Genetics (formerly Invitae), Labcorp
Classification: Benign. Last evaluated: 2026-01-06. Review status: criteria provided, single submitter. Criteria: Invitae Variant Classification Sherloc (09022015). Collection method: clinical testing. Allele origin: germline.

Genomic Medicine Center of Excellence, King Faisal Specialist Hospital and Research Centre
Classification: Likely benign. Last evaluated: 2025-08-18. Review status: criteria provided, single submitter. Criteria: ACMG Guidelines, 2015. Collection method: clinical testing. Allele origin: germline.

CeGaT Center for Human Genetics Tuebingen
Classification: Likely benign. Last evaluated: 2023-10-01. Review status: criteria provided, single submitter. Criteria: CeGaT Center For Human Genetics Tuebingen Variant Classification Criteria Version 2. Collection method: clinical testing. Allele origin: germline. Affected: yes. Observed: 2 variant alleles.
Comment: ASB10: BP4, BS2

Fulgent Genetics
Classification: Likely benign for Glaucoma 1, open angle, F. Last evaluated: 2021-12-21. Review status: criteria provided, single submitter. Criteria: ACMG Guidelines, 2015. Collection method: clinical testing. Allele origin: unknown.

Breakthrough Genomics
Classification: Benign. Review status: criteria provided, single submitter. Criteria: ACMG Guidelines, 2015. Collection method: not provided. Allele origin: germline. Inheritance: Autosomal dominant inheritance. Affected: yes.

NM_001142459.2(ASB10):c.709C>G (p.Arg237Gly)

Gene: ASB10 (ankyrin repeat and SOCS box containing 10; minus strand). Cytogenetic location: 7q36.1.
Variant type: single nucleotide variant.
Coding change: c.709C>G on transcript NM_001142459.2 (MANE Select); coding-DNA position 709, C replaced by G.
Protein change: p.Arg237Gly; replaces arginine 237 with glycine.
Molecular consequence: missense variant.
Genome position (GRCh38, 1-based): chr7:151,181,334, G>C on the plus strand (C>G on the coding strand, the complement: ASB10 is on the minus strand). VCF-style: chr7-151181334-G-C. GRCh37 (hg19) VCF-style: chr7-150878421-G-C.
Other names: c.709C>G, p.Arg237Gly (NM_001142460.1); c.664C>G, p.Arg222Gly (NM_080871.4); short protein forms R222G, R237G.
Identifiers: ClinVar variation 783008 (VCV000783008.34), dbSNP rs61735708, ClinGen allele CA4573788.